The following is an entry in ClinVar:

ClinVar aggregate classification (germline): Uncertain significance. Review status: criteria provided, multiple submitters, no conflicts (2 of 4 stars). 2 submissions from 2 submitters: Uncertain significance (2). Last evaluated 2024-04-06.

Conditions:
Inborn genetic diseases. Identifiers: MedGen C0950123, MeSH D030342.

gnomAD v4.1: 6 of 1,614,182 alleles (0.00037%); highest among the groups gnomAD compares: Admixed American, 0.005%; no homozygotes.

Submissions (2):

Ambry Genetics
Classification: Uncertain significance for Inborn genetic diseases. Last evaluated: 2024-04-06. Review status: criteria provided, single submitter. Criteria: Ambry Variant Classification Scheme 2023. Collection method: clinical testing. Allele origin: germline.

Labcorp Genetics (formerly Invitae), Labcorp
Classification: Uncertain significance. Last evaluated: 2022-08-05. Review status: criteria provided, single submitter. Criteria: Invitae Variant Classification Sherloc (09022015). Collection method: clinical testing. Allele origin: germline.
Comment: In summary, the available evidence is currently insufficient to determine the role of this variant in disease. Therefore, it has been classified as a Variant of Uncertain Significance. Algorithms developed to predict the effect of missense changes on protein structure and function are either unavailable or do not agree on the potential impact of this missense change (SIFT: "Tolerated"; PolyPhen-2: "Possibly Damaging"; Align-GVGD: "Class C0"). This variant has not been reported in the literature in individuals affected with CSGALNACT1-related conditions. This variant is present in population databases (rs756603032, gnomAD 0.006%). This sequence change replaces glutamic acid, which is acidic and polar, with lysine, which is basic and polar, at codon 304 of the CSGALNACT1 protein (p.Glu304Lys).

NM_001354483.2(CSGALNACT1):c.910G>A (p.Glu304Lys)

Gene: CSGALNACT1 (chondroitin sulfate N-acetylgalactosaminyltransferase 1; minus strand). Cytogenetic location: 8p21.3.
Variant type: single nucleotide variant.
Coding change: c.910G>A on transcript NM_001354483.2 (MANE Select); coding-DNA position 910, G replaced by A.
Protein change: p.Glu304Lys; replaces glutamic acid 304 with lysine.
Molecular consequence: missense variant. On other transcripts: non-coding transcript variant (7).
Genome position (GRCh38, 1-based): chr8:19,439,873, C>T on the plus strand (G>A on the coding strand, the complement: CSGALNACT1 is on the minus strand). VCF-style: chr8-19439873-C-T. GRCh37 (hg19) VCF-style: chr8-19297384-C-T.
Other names: c.910G>A (NM_001130518.1); c.910G>A, p.Glu304Lys (NM_001130518.2, NM_001354475.2, NM_001354476.2 and 18 more transcripts); short protein forms E304K.
Identifiers: ClinVar variation 2191193 (VCV002191193.5), dbSNP rs756603032, ClinGen allele CA4653980.